The following is an entry in ClinVar:

NM_001365276.2(TNXB):c.7837G>A (p.Glu2613Lys)

Gene: TNXB (tenascin XB; minus strand). Cytogenetic location: 6p21.33.
Variant type: single nucleotide variant.
Coding change: c.7837G>A on transcript NM_001365276.2 (MANE Select); coding-DNA position 7837, G replaced by A.
Protein change: p.Glu2613Lys; replaces glutamic acid 2613 with lysine.
Molecular consequence: missense variant.
Genome position (GRCh38, 1-based): chr6:32,056,892, C>T on the plus strand (G>A on the coding strand, the complement: TNXB is on the minus strand). VCF-style: chr6-32056892-C-T. GRCh37 (hg19) VCF-style: chr6-32024669-C-T.
Other names: c.7837G>A, p.Glu2613Lys (NM_019105.8); short protein forms E2613K.
Identifiers: ClinVar variation 1760826 (VCV001760826.5), dbSNP rs750359249, ClinGen allele CA3734020.

ClinVar aggregate classification (germline): Conflicting classifications of pathogenicity. Review status: criteria provided, conflicting classifications (1 of 4 stars). 2 submissions from 2 submitters: Uncertain significance (1); Likely benign (1). Last evaluated 2025-12-19.

Conditions:
Cardiovascular phenotype. Identifiers: MedGen CN230736.

Allele frequency attached by ClinVar (database versions not stated): TOPMed 0.00002; gnomAD 0.00003; gnomAD exomes 0.00003; ExAC 0.00004.
gnomAD v4.1: 48 of 1,610,996 alleles (0.003%); highest among the groups gnomAD compares: Non-Finnish European, 0.0036%; no homozygotes.

Submissions (2):

Ambry Genetics
Classification: Likely benign for Cardiovascular phenotype. Last evaluated: 2025-12-19. Review status: criteria provided, single submitter. Criteria: Ambry Variant Classification Scheme 2023. Collection method: clinical testing. Allele origin: germline.

GeneDx
Classification: Uncertain significance. Last evaluated: 2025-09-19. Review status: criteria provided, single submitter. Criteria: GeneDx Variant Classification Process June 2021. Collection method: clinical testing. Allele origin: germline.
Comment: Has not been previously published as pathogenic or benign to our knowledge; In silico analysis indicates that this missense variant does not alter protein structure/function